The following is an entry in ClinVar:

NM_007186.6(CEP250):c.2032C>G (p.Leu678Val)

Genes: CEP250 (centrosomal protein 250; plus strand), CEP250-AS1 (CEP250 antisense RNA 1; minus strand). Cytogenetic location: 20q11.22.
Variant type: single nucleotide variant.
Coding change: c.2032C>G on transcript NM_007186.6 (MANE Select); coding-DNA position 2032, C replaced by G.
Protein change: p.Leu678Val; replaces leucine 678 with valine.
Molecular consequence: missense variant.
Genome position (GRCh38, 1-based): chr20:35,478,039, C>G. VCF-style: chr20-35478039-C-G. GRCh37 (hg19) VCF-style: chr20-34065864-C-G.
Other names: c.136C>G, p.Leu46Val (NM_001318219.1); c.2032C>G (NM_007186.3); short protein forms L46V, L678V.
Identifiers: ClinVar variation 1421254 (VCV001421254.4), dbSNP rs778549244, ClinGen allele CA9833082.
Genomic context (GRCh38, chr20:35,478,039, plus strand): 5'-TGGGAAAAGAACACTCACCTGGAGGCTCAGCTGCAGAAAGCTGAGGAGGCTGGGGCTGAG[C>G]TGCAGGCAGATCTCAGGGACATCCAAGAAGAGAAGGAAGAAATTCAAAAGAAACTAAGTG-3'
Protein context (NP_009117.2, residues 668-688): LQKAEEAGAE[Leu678Val]QADLRDIQEE

ClinVar aggregate classification (germline): Uncertain significance. Review status: criteria provided, multiple submitters, no conflicts (2 of 4 stars). 2 submissions from 2 submitters: Uncertain significance (2). Last evaluated 2025-06-11.

Allele frequency attached by ClinVar (database versions not stated): gnomAD 0.00003; gnomAD exomes 0.00002 and 0.00004; ExAC 0.00003; TOPMed 0.00005.
gnomAD v4.1: 18 of 1,614,000 alleles (0.0011%); highest among the groups gnomAD compares: Admixed American, 0.025%; no homozygotes.

Submissions (2):

Ambry Genetics
Classification: Uncertain significance. Last evaluated: 2025-06-11. Review status: criteria provided, single submitter. Criteria: Ambry Variant Classification Scheme 2023. Collection method: clinical testing. Allele origin: germline.

Labcorp Genetics (formerly Invitae), Labcorp
Classification: Uncertain significance. Last evaluated: 2022-07-12. Review status: criteria provided, single submitter. Criteria: Invitae Variant Classification Sherloc (09022015). Collection method: clinical testing. Allele origin: germline.
Comment: This sequence change replaces leucine, which is neutral and non-polar, with valine, which is neutral and non-polar, at codon 678 of the CEP250 protein (p.Leu678Val). This variant is present in population databases (rs778549244, gnomAD 0.03%). This variant has not been reported in the literature in individuals affected with CEP250-related conditions. ClinVar contains an entry for this variant (Variation ID: 1421254). Algorithms developed to predict the effect of missense changes on protein structure and function are either unavailable or do not agree on the potential impact of this missense change (SIFT: "Not Available"; PolyPhen-2: "Probably Damaging"; Align-GVGD: "Not Available"). In summary, the available evidence is currently insufficient to determine the role of this variant in disease. Therefore, it has been classified as a Variant of Uncertain Significance.